The following is an entry in ClinVar:

NM_000350.3(ABCA4):c.5531G>A (p.Gly1844Asp)

Gene: ABCA4 (ATP binding cassette subfamily A member 4; minus strand). Cytogenetic location: 1p22.1.
Variant type: single nucleotide variant.
Coding change: c.5531G>A on transcript NM_000350.3 (MANE Select); coding-DNA position 5531, G replaced by A.
Protein change: p.Gly1844Asp; replaces glycine 1844 with aspartic acid.
Molecular consequence: missense variant.
Genome position (GRCh38, 1-based): chr1:94,011,315, C>T on the plus strand (G>A on the coding strand, the complement: ABCA4 is on the minus strand). VCF-style: chr1-94011315-C-T. GRCh37 (hg19) VCF-style: chr1-94476871-C-T.
Other names: c.5309G>A, p.Gly1770Asp (NM_001425324.1); short protein forms G1844D, G1770D.
Identifiers: ClinVar variation 1303027 (VCV001303027.10), dbSNP rs1659540498, ClinGen allele CA341281074.

ClinVar aggregate classification (germline): Conflicting classifications of pathogenicity. Review status: criteria provided, conflicting classifications (1 of 4 stars). 3 submissions from 3 submitters: Pathogenic (1); Uncertain significance (2). Last evaluated 2025-05-04.

Conditions:
ABCA4-related disorder. Also called: ABCA4-related condition; ABCA4-related disorders. Identifiers: MedGen CN239167.

Allele frequency attached by ClinVar (database versions not stated): gnomAD exomes below 0.00001; TOPMed below 0.00001.
gnomAD v4.1: 1 of 1,614,082 alleles (0.000062%); highest among the groups gnomAD compares: African/African-American, 0.0013%; no homozygotes.

Submissions (3):

Labcorp Genetics (formerly Invitae), Labcorp
Classification: Pathogenic. Last evaluated: 2025-05-04. Review status: criteria provided, single submitter. Criteria: Invitae Variant Classification Sherloc (09022015). Collection method: clinical testing. Allele origin: germline.
Comment: This sequence change replaces glycine, which is neutral and non-polar, with aspartic acid, which is acidic and polar, at codon 1844 of the ABCA4 protein (p.Gly1844Asp). This variant is not present in population databases (gnomAD no frequency). This missense change has been observed in individual(s) with Stargardt disease (PMID: 23755871). In at least one individual the data is consistent with being in trans (on the opposite chromosome) from a pathogenic variant. ClinVar contains an entry for this variant (Variation ID: 1303027). Invitae Evidence Modeling of protein sequence and biophysical properties (such as structural, functional, and spatial information, amino acid conservation, physicochemical variation, residue mobility, and thermodynamic stability) indicates that this missense variant is expected to disrupt ABCA4 protein function with a positive predictive value of 95%. This variant disrupts the p.Gly1844 amino acid residue in ABCA4. Other variant(s) that disrupt this residue have been determined to be pathogenic (internal data). This suggests that this residue is clinically significant, and that variants that disrupt this residue are likely to be disease-causing. For these reasons, this variant has been classified as Pathogenic.

PreventionGenetics, part of Exact Sciences
Classification: Uncertain significance for ABCA4-related condition. Last evaluated: 2023-09-08. Review status: criteria provided, single submitter. Criteria: ACMG Guidelines, 2015. Collection method: clinical testing. Allele origin: germline.
Comment: The ABCA4 c.5531G>A variant is predicted to result in the amino acid substitution p.Gly1844Asp. This variant has been reported along with a second ABCA4 variant in an individual with Stargardt disease (Riveiro-Alvarez et al. 2013. PubMed ID: 23755871). This variant has not been reported in a large population database, indicating this variant is rare. Although we suspect that this variant may be pathogenic, at this time, the clinical significance of this variant is uncertain due to the absence of conclusive functional and genetic evidence.

GeneDx
Classification: Uncertain significance. Last evaluated: 2019-12-11. Review status: criteria provided, single submitter. Criteria: GeneDx Variant Classification Process June 2021. Collection method: clinical testing. Allele origin: germline. Affected: yes.
Comment: Not observed in large population cohorts (Lek et al., 2016); In silico analysis, which includes protein predictors and evolutionary conservation, supports a deleterious effect; This variant is associated with the following publications: (PMID: 23755871)

Literature cited by the submitters: PubMed 23755871 (cited by Labcorp Genetics (formerly Invitae), Labcorp).